The following is an entry in ClinVar:

NM_033100.4(CDHR1):c.2176C>T (p.Arg726Cys)

Gene: CDHR1 (cadherin related family member 1; plus strand). Cytogenetic location: 10q23.1.
Variant type: single nucleotide variant.
Coding change: c.2176C>T on transcript NM_033100.4 (MANE Select); coding-DNA position 2176, C replaced by T.
Protein change: p.Arg726Cys; replaces arginine 726 with cysteine.
Molecular consequence: missense variant. On other transcripts: intron variant (1).
Genome position (GRCh38, 1-based): chr10:84,214,217, C>T. VCF-style: chr10-84214217-C-T. GRCh37 (hg19) VCF-style: chr10-85973973-C-T.
Other names: c.2040+869C>T (NM_001171971.3); short protein forms R726C.
Identifiers: ClinVar variation 285030 (VCV000285030.63), dbSNP rs141706561, ClinGen allele CA5580161.

ClinVar aggregate classification (germline): Conflicting classifications of pathogenicity. Review status: criteria provided, conflicting classifications (1 of 4 stars). 8 submissions from 8 submitters: Uncertain significance (6); Likely benign (1). 1 of the submissions does not count toward it. Last evaluated 2026-09-14.

Conditions:
CDHR1-related disorder. Also called: CDHR1-related condition.
Retinal dystrophy. Also called: Inherited retinal dystrophy. Identifiers: Orphanet 71862, MedGen C0854723, MeSH D058499, MONDO:0019118, HP:0000556.
Cone-rod dystrophy 15 (CORD15). Identifiers: MedGen C3150912, MONDO:0013348, OMIM 613660.

Allele frequency attached by ClinVar (database versions not stated): TOPMed 0.00026; gnomAD 0.00051; ESP Exome Variant Server 0.00062.
gnomAD v4.1: 356 of 1,614,050 alleles (0.022%); highest among the groups gnomAD compares: Non-Finnish European, 0.029%; no homozygotes.

Submissions (8):

PreventionGenetics, part of Exact Sciences
Classification: Uncertain significance for CDHR1-related condition. Last evaluated: 2026-09-14. Review status: criteria provided, single submitter. Criteria: ACMG Guidelines, 2015. Collection method: clinical testing. Allele origin: germline.
Comment: The CDHR1 c.2176C>T variant is predicted to result in the amino acid substitution p.Arg726Cys. To our knowledge, this variant has not been reported in the literature. This variant is reported in 0.048% of alleles in individuals of European (Non-Finnish) descent in gnomAD, including 1 homozygote, which may be too frequent to be a primary cause of disease. Although we suspect that this variant may be benign, at this time, the clinical significance of this variant is uncertain due to the absence of conclusive functional and genetic evidence.

Labcorp Genetics (formerly Invitae), Labcorp
Classification: Likely benign. Last evaluated: 2026-01-12. Review status: criteria provided, single submitter. Criteria: Invitae Variant Classification Sherloc (09022015). Collection method: clinical testing. Allele origin: germline.

Blueprint Genetics
Classification: Uncertain significance. Last evaluated: 2024-11-12. Review status: criteria provided, single submitter. Criteria: ACMG Guidelines, 2015. Collection method: clinical testing. Allele origin: germline.

GeneDx
Classification: Uncertain significance. Last evaluated: 2023-06-01. Review status: criteria provided, single submitter. Criteria: GeneDx Variant Classification Process June 2021. Collection method: clinical testing. Allele origin: germline. Affected: yes.
Comment: In silico analysis supports that this missense variant has a deleterious effect on protein structure/function; Has not been previously published as pathogenic or benign to our knowledge

Illumina Laboratory Services, Illumina
Classification: Uncertain significance for Cone-rod dystrophy 15. Last evaluated: 2018-01-12. Review status: criteria provided, single submitter. Criteria: ICSL Variant Classification Criteria 13 December 2019. Collection method: clinical testing. Allele origin: germline.

CeGaT Center for Human Genetics Tuebingen
Classification: Uncertain significance. Last evaluated: 2016-07-01. Review status: criteria provided, single submitter. Criteria: CeGaT Center For Human Genetics Tuebingen Variant Classification Criteria Version 2. Collection method: clinical testing. Allele origin: germline. Affected: yes. Observed: 1 variant allele.

Eurofins Ntd Llc (ga)
Classification: Uncertain significance. Last evaluated: 2015-12-07. Review status: criteria provided, single submitter. Criteria: EGL Classification Definitions 2015. Collection method: clinical testing. Allele origin: germline. Observed: 1 variant allele, 1 heterozygote.

Institute of Human Genetics, Univ. Regensburg, Univ. Regensburg
Classification: Uncertain significance for Retinal dystrophy. Last evaluated: 2019-01-01. Review status: no assertion criteria provided. Criteria: ACMG Guidelines, 2015. Collection method: clinical testing. Allele origin: germline. Affected: yes. Not counted in ClinVar's aggregate classification.